The following is an entry in ClinVar:

NM_020928.2(ZSWIM6):c.586G>A (p.Ala196Thr)

Gene: ZSWIM6 (zinc finger SWIM-type containing 6; plus strand). Cytogenetic location: 5q12.1.
Variant type: single nucleotide variant.
Coding change: c.586G>A on transcript NM_020928.2 (MANE Select); coding-DNA position 586, G replaced by A.
Protein change: p.Ala196Thr; replaces alanine 196 with threonine.
Molecular consequence: missense variant.
Genome position (GRCh38, 1-based): chr5:61,332,858, G>A. VCF-style: chr5-61332858-G-A. GRCh37 (hg19) VCF-style: chr5-60628685-G-A.
Other names: short protein forms A196T.
Identifiers: ClinVar variation 1370901 (VCV001370901.8), dbSNP rs976065857, ClinGen allele CA119631706.

ClinVar aggregate classification (germline): Uncertain significance (1 of 4 stars; one submission).

Allele frequency attached by ClinVar (database versions not stated): gnomAD exomes below 0.00001; gnomAD 0.00006 and 0.00007.
gnomAD v4.1: 10 of 1,195,092 alleles (0.00084%); highest among the groups gnomAD compares: African/African-American, 0.016%; no homozygotes.

Submission:

Labcorp Genetics (formerly Invitae), Labcorp
Classification: Uncertain significance. Last evaluated: 2021-02-11. Review status: criteria provided, single submitter. Criteria: Invitae Variant Classification Sherloc (09022015). Collection method: clinical testing. Allele origin: germline.
Comment: This sequence change replaces alanine with threonine at codon 196 of the ZSWIM6 protein (p.Ala196Thr). The alanine residue is weakly conserved and there is a small physicochemical difference between alanine and threonine. The frequency data for this variant in the population databases is considered unreliable, as metrics indicate insufficient coverage at this position in the ExAC database. This variant has not been reported in the literature in individuals with ZSWIM6-related conditions. Algorithms developed to predict the effect of missense changes on protein structure and function are either unavailable or do not agree on the potential impact of this missense change (SIFT: "Deleterious"; PolyPhen-2: "Not Available"; Align-GVGD: "Class C0"). In summary, the available evidence is currently insufficient to determine the role of this variant in disease. Therefore, it has been classified as a Variant of Uncertain Significance.